The following is an entry in ClinVar:

NM_001278716.2(FBXL4):c.1348_1360del (p.Cys450fs)

Gene: FBXL4 (F-box and leucine rich repeat protein 4; minus strand). Cytogenetic location: 6q16.1.
Variant type: Deletion.
Coding change: c.1348_1360del on transcript NM_001278716.2 (MANE Select); coding-DNA positions 1348 to 1360, 13 bases deleted (TGTTCAGAGCTTC).
Protein change: p.Cys450fs; shifts the reading frame from cysteine 450.
Molecular consequence: frameshift variant. On other transcripts: non-coding transcript variant (1).
Genome position (GRCh38, 1-based): chr6:98,880,582-98,880,594, GAAGCTCTGAACA deleted on the plus strand (TGTTCAGAGCTTC on the coding strand, the reverse complement: FBXL4 is on the minus strand); deleting any 13 consecutive bases within chr6:98,880,582-98,880,598 gives the same sequence; the c. name uses the placement nearest the transcript's 3' end. VCF-style (leftmost placement, unchanged base first): chr6-98880581-TGAAGCTCTGAACA-T. GRCh37 (hg19) VCF-style: chr6-99328457-TGAAGCTCTGAACA-T.
Other names: c.1348_1360del, p.Cys450fs (NM_012160.5); short protein forms C450fs.
Identifiers: ClinVar variation 4718554 (VCV004718554.1).
Genomic context (GRCh38, chr6:98,880,581, plus strand): 5'-TTGAGTAGTATAAAGAATTCTCAAACACTTACCATGACACAACTGCCTAAACTGAGGTGC[TGAAGCTCTGAACA>T]GAAGTTCAAAATGCTGAGCAGTGCTGTTTGCTGCCATTAGGGACCACATCAGAGGCAAAT-3'

ClinVar aggregate classification (germline): Pathogenic (1 of 4 stars; one submission).

Submission:

Labcorp Genetics (formerly Invitae), Labcorp
Classification: Pathogenic. Last evaluated: 2025-04-28. Review status: criteria provided, single submitter. Criteria: Invitae Variant Classification Sherloc (09022015). Collection method: clinical testing. Allele origin: germline.
Comment: This sequence change creates a premature translational stop signal (p.Cys450Serfs*5) in the FBXL4 gene. It is expected to result in an absent or disrupted protein product. Loss-of-function variants in FBXL4 are known to be pathogenic (PMID: 23993193, 23993194, 25868664). This variant is not present in population databases (gnomAD no frequency). This variant has not been reported in the literature in individuals affected with FBXL4-related conditions. For these reasons, this variant has been classified as Pathogenic.

Literature cited by the submitters: PubMed 23993193; PubMed 23993194; PubMed 25868664.